The following is an entry in ClinVar:

ClinVar aggregate classification (germline): Uncertain significance (1 of 4 stars; one submission).

Conditions:
Fanconi anemia complementation group O. Also called: RAD51C-Related Fanconi Anemia. Identifiers: Orphanet 84, MedGen C3150653, MONDO:0013248, OMIM 613390.

Submission:

Labcorp Genetics (formerly Invitae), Labcorp
Classification: Uncertain significance for Fanconi anemia complementation group O. Last evaluated: 2021-09-15. Review status: criteria provided, single submitter. Criteria: Invitae Variant Classification Sherloc (09022015). Collection method: clinical testing. Allele origin: germline.
Comment: This sequence change falls in intron 6 of the RAD51C gene. It does not directly change the encoded amino acid sequence of the RAD51C protein. It affects a nucleotide within the consensus splice site of the intron. This variant is not present in population databases (ExAC no frequency). This variant has not been reported in the literature in individuals with RAD51C-related conditions. Nucleotide substitutions within the consensus splice site are a relatively common cause of aberrant splicing (PMID: 17576681, 9536098). Algorithms developed to predict the effect of sequence changes on RNA splicing suggest that this variant is not likely to affect RNA splicing, but this prediction has not been confirmed by published transcriptional studies. In summary, the available evidence is currently insufficient to determine the role of this variant in disease. Therefore, it has been classified as a Variant of Uncertain Significance.

Literature cited by the submitters: PubMed 17576681; PubMed 9536098.

NM_058216.3(RAD51C):c.905-3C>T

Gene: RAD51C (RAD51 paralog C; plus strand). Cytogenetic location: 17q22.
Variant type: single nucleotide variant.
Coding change: c.905-3C>T on transcript NM_058216.3 (MANE Select); 3 bases into the intron before coding-DNA position 905, C replaced by T.
Molecular consequence: intron variant.
Genome position (GRCh38, 1-based): chr17:58,724,037, C>T. VCF-style: chr17-58724037-C-T. GRCh37 (hg19) VCF-style: chr17-56801398-C-T.
Identifiers: ClinVar variation 1419266 (VCV001419266.6), dbSNP rs2143961087, ClinGen allele CA2573154156.